The following is an entry in ClinVar:

ClinVar aggregate classification (germline): Benign. Review status: criteria provided, multiple submitters, no conflicts (2 of 4 stars). 3 submissions from 3 submitters: Benign (3). Last evaluated 2023-02-06.

Allele frequency attached by ClinVar (database versions not stated): gnomAD exomes 0.00110 and 0.00275; 1000 Genomes Project 30x 0.01858; ExAC 0.00352; gnomAD 0.01028 and 0.01090; ESP Exome Variant Server 0.01338; 1000 Genomes Project 0.01458.
gnomAD v4.1: 3,018 of 1,528,294 alleles (0.2%); highest among the groups gnomAD compares: African/African-American, 4.1%; 805 homozygotes.

Submissions (3):

Mayo Clinic Laboratories, Mayo Clinic
Classification: Benign. Last evaluated: 2023-02-06. Review status: criteria provided, single submitter. Criteria: ACMG Guidelines, 2015. Collection method: clinical testing. Allele origin: germline. Observed: 65 variant alleles.
Comment: BA1, BP4, BP7

Labcorp Genetics (formerly Invitae), Labcorp
Classification: Benign. Last evaluated: 2019-12-31. Review status: criteria provided, single submitter. Criteria: Invitae Variant Classification Sherloc (09022015). Collection method: clinical testing. Allele origin: germline.

Breakthrough Genomics
Classification: Benign. Review status: criteria provided, single submitter. Criteria: ACMG Guidelines, 2015. Collection method: not provided. Allele origin: germline. Inheritance: Autosomal recessive inheritance. Affected: yes.

NM_021023.6(CFHR3):c.10C>T (p.Leu4=)

Gene: CFHR3 (complement factor H related 3; plus strand). Cytogenetic location: 1q31.3.
Variant type: single nucleotide variant.
Coding change: c.10C>T on transcript NM_021023.6 (MANE Select); coding-DNA position 10, C replaced by T.
Protein change: p.Leu4=; no amino-acid change (leucine 4 retained).
Molecular consequence: synonymous variant.
Genome position (GRCh38, 1-based): chr1:196,774,896, C>T. VCF-style: chr1-196774896-C-T. GRCh37 (hg19) VCF-style: chr1-196744026-C-T.
Other names: p.Leu4=; c.10C>T, p.Leu4= (NM_001166624.2).
Identifiers: ClinVar variation 775632 (VCV000775632.6), dbSNP rs60627815, ClinGen allele CA1306027.